The following is an entry in ClinVar:

ClinVar aggregate classification (germline): Uncertain significance (1 of 4 stars; one submission).

Conditions:
Cardiovascular phenotype. Identifiers: MedGen CN230736.

Submission:

Ambry Genetics
Classification: Uncertain significance for Cardiovascular phenotype. Last evaluated: 2023-02-07. Review status: criteria provided, single submitter. Criteria: Ambry Variant Classification Scheme 2023. Collection method: clinical testing. Allele origin: germline.
Comment: The p.F262L variant (also known as c.786T>A), located in coding exon 1 of the KCNJ2 gene, results from a T to A substitution at nucleotide position 786. The phenylalanine at codon 262 is replaced by leucine, an amino acid with highly similar properties. This amino acid position is highly conserved in available vertebrate species. In addition, this alteration is predicted to be deleterious by in silico analysis. Since supporting evidence is limited at this time, the clinical significance of this alteration remains unclear.

NM_000891.3(KCNJ2):c.786T>A (p.Phe262Leu)

Gene: KCNJ2 (potassium inwardly rectifying channel subfamily J member 2; plus strand). Cytogenetic location: 17q24.3.
Variant type: single nucleotide variant.
Coding change: c.786T>A on transcript NM_000891.3 (MANE Select); coding-DNA position 786, T replaced by A.
Protein change: p.Phe262Leu; replaces phenylalanine 262 with leucine.
Molecular consequence: missense variant.
Genome position (GRCh38, 1-based): chr17:70,175,825, T>A. VCF-style: chr17-70175825-T-A. GRCh37 (hg19) VCF-style: chr17-68171966-T-A.
Other names: short protein forms F262L.
Identifiers: ClinVar variation 2452377 (VCV002452377.2), dbSNP rs2509921428, ClinGen allele CA400862071.